The following is an entry in ClinVar:

ClinVar aggregate classification (germline): Uncertain significance (1 of 4 stars; one submission).

Allele frequency attached by ClinVar (database versions not stated): gnomAD exomes below 0.00001; TOPMed 0.00001.
gnomAD v4.1: 7 of 1,614,152 alleles (0.00043%); highest among the groups gnomAD compares: East Asian, 0.0045%; no homozygotes.

Submission:

Labcorp Genetics (formerly Invitae), Labcorp
Classification: Uncertain significance. Last evaluated: 2023-11-13. Review status: criteria provided, single submitter. Criteria: Invitae Variant Classification Sherloc (09022015). Collection method: clinical testing. Allele origin: germline.
Comment: This sequence change replaces serine, which is neutral and polar, with cysteine, which is neutral and slightly polar, at codon 1909 of the LCT protein (p.Ser1909Cys). This variant is not present in population databases (gnomAD no frequency). This variant has not been reported in the literature in individuals affected with LCT-related conditions. Advanced modeling of protein sequence and biophysical properties (such as structural, functional, and spatial information, amino acid conservation, physicochemical variation, residue mobility, and thermodynamic stability) performed at Invitae indicates that this missense variant is not expected to disrupt LCT protein function with a negative predictive value of 80%. In summary, the available evidence is currently insufficient to determine the role of this variant in disease. Therefore, it has been classified as a Variant of Uncertain Significance.

NM_002299.4(LCT):c.5726C>G (p.Ser1909Cys)

Gene: LCT (lactase; minus strand). Cytogenetic location: 2q21.3.
Variant type: single nucleotide variant.
Coding change: c.5726C>G on transcript NM_002299.4 (MANE Select); coding-DNA position 5726, C replaced by G.
Protein change: p.Ser1909Cys; replaces serine 1909 with cysteine.
Molecular consequence: missense variant.
Genome position (GRCh38, 1-based): chr2:135,788,382, G>C on the plus strand (C>G on the coding strand, the complement: LCT is on the minus strand). VCF-style: chr2-135788382-G-C. GRCh37 (hg19) VCF-style: chr2-136545952-G-C.
Other names: short protein forms S1909C.
Identifiers: ClinVar variation 2892659 (VCV002892659.3), dbSNP rs2077508741, ClinGen allele CA348583891.
Genomic context (GRCh38, chr2:135,788,382, plus strand): 5'-CATCAGAATGAAGACACCGGGCTCAATTCCTGTTGGCTTCGTTGTGTTTTCCCTTGCTTA[G>C]AGCGCTTGCAGTACTTGTATGACAGAAATGCCAAGCCACAGACTCCAAGAAGCACAAGAG-3'
Protein context (NP_002290.2, residues 1899-1919): AFLSYKYCKR[Ser1909Cys]KQGKTQRSQQ